The following is an entry in ClinVar:

ClinVar aggregate classification (germline): Uncertain significance (1 of 4 stars; one submission).

Conditions:
Hereditary spastic paraplegia 53. Also called: Spastic paraplegia 53, autosomal recessive. Identifiers: Orphanet 319199, MedGen C3539494, MONDO:0013962, OMIM 614898.

Allele frequency attached by ClinVar (database versions not stated): ExAC 0.00002; TOPMed 0.00002.
gnomAD v4.1: 21 of 1,612,404 alleles (0.0013%); highest among the groups gnomAD compares: East Asian, 0.0022%; no homozygotes.

Submission:

Labcorp Genetics (formerly Invitae), Labcorp
Classification: Uncertain significance for Hereditary spastic paraplegia 53. Last evaluated: 2022-11-29. Review status: criteria provided, single submitter. Criteria: Invitae Variant Classification Sherloc (09022015). Collection method: clinical testing. Allele origin: germline.
Comment: This sequence change affects codon 214 of the VPS37A mRNA. It is a 'silent' change, meaning that it does not change the encoded amino acid sequence of the VPS37A protein. This variant also falls at the last nucleotide of exon 5, which is part of the consensus splice site for this exon. ClinVar contains an entry for this variant (Variation ID: 1035635). Variants that disrupt the consensus splice site are a relatively common cause of aberrant splicing (PMID: 17576681, 9536098). Algorithms developed to predict the effect of sequence changes on RNA splicing suggest that this variant may disrupt the consensus splice site. In summary, the available evidence is currently insufficient to determine the role of this variant in disease. Therefore, it has been classified as a Variant of Uncertain Significance. This variant has not been reported in the literature in individuals affected with VPS37A-related conditions. This variant is present in population databases (rs747596394, gnomAD 0.005%).

Literature cited by the submitters: PubMed 17576681; PubMed 9536098.

NM_152415.3(VPS37A):c.642G>A (p.Pro214=)

Gene: VPS37A (VPS37A subunit of ESCRT-I; plus strand). Cytogenetic location: 8p22.
Variant type: single nucleotide variant.
Coding change: c.642G>A on transcript NM_152415.3 (MANE Select); coding-DNA position 642, G replaced by A.
Protein change: p.Pro214=; no amino-acid change (proline 214 retained).
Molecular consequence: synonymous variant.
Genome position (GRCh38, 1-based): chr8:17,274,958, G>A. VCF-style: chr8-17274958-G-A. GRCh37 (hg19) VCF-style: chr8-17132467-G-A.
Other names: c.567G>A, p.Pro189= (NM_001145152.2); c.642G>A, p.Pro214= (NM_001363167.1, NM_001363173.2); c.372G>A, p.Pro124= (NM_001363168.1, NM_001363169.1, NM_001363170.1 and 2 more transcripts).
Identifiers: ClinVar variation 1035635 (VCV001035635.5), dbSNP rs747596394, ClinGen allele CA4643375.
Genomic context (GRCh38, chr8:17,274,958, plus strand): 5'-TTCATTTGGTGTCCTTTCAAATCTGCCATTACCCATTCCCACAGTGGATGCTTCAATACC[G>A]GTTGGTATCGTCAGTTATCTATATTTTGTGCCACTGAAACATTCATTCAATCCACACACC-3'
Protein context (NP_689628.2, residues 204-224): LPIPTVDASI[Pro214=]TSQNGFGYKM